The following is an entry in ClinVar:

ClinVar aggregate classification (germline): Uncertain significance. Review status: criteria provided, multiple submitters, no conflicts (2 of 4 stars). 3 submissions from 3 submitters: Uncertain significance (3). Last evaluated 2025-04-18.

Conditions:
Inborn genetic diseases. Identifiers: MedGen C0950123, MeSH D030342.
Acute myeloid leukemia (AML). Also called: Acute myeloid leukemia, adult; AML adult; Acute non-lymphocytic leukemia; Acute granulocytic leukemia; Leukemia, acute myelogenous, somatic; Leukemia, acute myeloid, somatic. Identifiers: Orphanet 519, MedGen C0023467, MeSH D015470, MONDO:0018874, OMIM 601626, HP:0004808. Disease mechanism: Constitutively activated FLT3.

Allele frequency attached by ClinVar (database versions not stated): TOPMed below 0.00001; gnomAD 0.00001.
gnomAD v4.1: 1 of 1,198,356 alleles (0.000083%); highest among the groups gnomAD compares: Non-Finnish European, 0.0001%; no homozygotes.

Submissions (3):

GeneDx
Classification: Uncertain significance. Last evaluated: 2025-04-18. Review status: criteria provided, single submitter. Criteria: GeneDx Variant Classification Process June 2021. Collection method: clinical testing. Allele origin: germline. Affected: yes.
Comment: Not observed at significant frequency in large population cohorts (gnomAD); In silico analysis indicates that this missense variant does not alter protein structure/function; Has not been previously published as pathogenic or benign to our knowledge

Ambry Genetics
Classification: Uncertain significance for Inborn genetic diseases. Last evaluated: 2025-03-31. Review status: criteria provided, single submitter. Criteria: Ambry Variant Classification Scheme 2023. Collection method: clinical testing. Allele origin: germline.
Comment: The p.G245A variant (also known as c.734G>C), located in coding exon 1 of the CEBPA gene, results from a G to C substitution at nucleotide position 734. The glycine at codon 245 is replaced by alanine, an amino acid with similar properties. This amino acid position is conserved. In addition, this alteration is predicted to be tolerated by in silico analysis. Based on the available evidence, the clinical significance of this variant remains unclear.

Labcorp Genetics (formerly Invitae), Labcorp
Classification: Uncertain significance for Acute myeloid leukemia. Last evaluated: 2020-03-25. Review status: criteria provided, single submitter. Criteria: Invitae Variant Classification Sherloc (09022015). Collection method: clinical testing. Allele origin: germline.
Comment: The frequency data for this variant in the population databases is considered unreliable, as metrics indicate insufficient coverage at this position in the ExAC database. This sequence change replaces glycine with alanine at codon 245 of the CEBPA protein (p.Gly245Ala). The glycine residue is moderately conserved and there is a small physicochemical difference between glycine and alanine. This variant has not been reported in the literature in individuals with CEBPA-related conditions. Algorithms developed to predict the effect of missense changes on protein structure and function (SIFT, PolyPhen-2, Align-GVGD) all suggest that this variant is likely to be tolerated, but these predictions have not been confirmed by published functional studies and their clinical significance is uncertain. In summary, the available evidence is currently insufficient to determine the role of this variant in disease. Therefore, it has been classified as a Variant of Uncertain Significance.

NM_004364.5(CEBPA):c.734G>C (p.Gly245Ala)

Gene: CEBPA (CCAAT enhancer binding protein alpha; minus strand). Cytogenetic location: 19q13.11.
Variant type: single nucleotide variant.
Coding change: c.734G>C on transcript NM_004364.5 (MANE Select); coding-DNA position 734, G replaced by C.
Protein change: p.Gly245Ala; replaces glycine 245 with alanine.
Molecular consequence: missense variant.
Genome position (GRCh38, 1-based): chr19:33,301,681, C>G on the plus strand (G>C on the coding strand, the complement: CEBPA is on the minus strand). VCF-style: chr19-33301681-C-G. GRCh37 (hg19) VCF-style: chr19-33792587-C-G.
Other names: c.734G>C (NM_004364.3); c.377G>C, p.Gly126Ala (NM_001285829.2); c.839G>C, p.Gly280Ala (NM_001287424.2); c.692G>C, p.Gly231Ala (NM_001287435.2); short protein forms G231A, G245A, G126A, G280A.
Identifiers: ClinVar variation 1040628 (VCV001040628.11), dbSNP rs1189516787, ClinGen allele CA405274322.